The following is an entry in ClinVar:

ClinVar aggregate classification (germline): Likely pathogenic (1 of 4 stars; one submission).

Conditions:
Polycystic kidney disease 4 (PKD4). Also called: POLYCYSTIC KIDNEY AND HEPATIC DISEASE 1; POLYCYSTIC KIDNEY DISEASE, INFANTILE, TYPE I; POLYCYSTIC KIDNEY DISEASE 4 WITH OR WITHOUT POLYCYSTIC LIVER DISEASE; PKD3; Autosomal Recessive Polycystic Kidney Disease – PKHD1. Identifiers: MedGen C4540575, MONDO:0033004, OMIM 263200.

Submission:

Myriad Genetics, Inc.
Classification: Likely pathogenic for Polycystic kidney disease 4. Last evaluated: 2025-03-03. Review status: criteria provided, single submitter. Criteria: Myriad Autosomal Dominant, Autosomal Recessive and X-Linked Classification Criteria (2023). Collection method: clinical testing. Allele origin: unknown.
Comment: NM_138694.3(PKHD1):c.5908+1G>A is a variant in a canonical splice site classified as likely pathogenic in the context of autosomal recessive polycystic kidney disease, PKHD1-related. c.5908+1G>A has not been observed in cases with relevant disease. Relevant functional assessments of this variant are not available in the literature. c.5908+1G>A has not been observed in referenced population frequency databases. In summary, NM_138694.3(PKHD1):c.5908+1G>A is a variant in a canonical splice site in a gene where loss of function is a known mechanism of disease and is predicted to disrupt protein function. Please note: this variant was assessed in the context of healthy population screening.

NM_138694.4(PKHD1):c.5908+1G>A

Gene: PKHD1 (PKHD1 ciliary IPT domain containing fibrocystin/polyductin; minus strand). Cytogenetic location: 6p12.2.
Variant type: single nucleotide variant.
Coding change: c.5908+1G>A on transcript NM_138694.4 (MANE Select); the canonical splice donor site of the intron after coding-DNA position 5908, G replaced by A.
Molecular consequence: splice donor variant.
Genome position (GRCh38, 1-based): chr6:51,959,869, C>T on the plus strand (G>A on the coding strand, the complement: PKHD1 is on the minus strand). VCF-style: chr6-51959869-C-T. GRCh37 (hg19) VCF-style: chr6-51824667-C-T.
Other names: c.5908+1G>A (NM_170724.3).
Identifiers: ClinVar variation 4081767 (VCV004081767.1).
Genomic context (GRCh38, chr6:51,959,869, plus strand): 5'-TCCCCCCTACAAGTGATATAATCATATAGAATAATATTACCAACCTACAAACTTCACACA[C>T]CTTTAATGTGCAGTAAGTTGAGGATGCTTGTGTTAGTGTCCAGCAGAAGCAATTGGCCAT-3'